The following is an entry in ClinVar:

ClinVar aggregate classification (germline): Uncertain significance (1 of 4 stars; one submission).

Conditions:
Combined oxidative phosphorylation defect type 27. Also called: Combined oxidative phosphorylation deficiency 27. Identifiers: Orphanet 477774, MedGen C5567608, MONDO:0014728, OMIM 616672.

Submission:

Labcorp Genetics (formerly Invitae), Labcorp
Classification: Uncertain significance for Combined oxidative phosphorylation defect type 27. Last evaluated: 2022-10-25. Review status: criteria provided, single submitter. Criteria: Invitae Variant Classification Sherloc (09022015). Collection method: clinical testing. Allele origin: germline.
Comment: This variant results in a copy number gain of the genomic region encompassing exon(s) 1-5 of the CARS2 gene. This region includes the initiator codon of the gene. This copy number gain extends beyond the assayed region for this gene and therefore may encompass additional genes. As the precise location of this event is unknown, it may be in tandem or it may be located elsewhere in the genome. This variant has not been reported in the literature in individuals affected with CARS2-related conditions. In summary, the available evidence is currently insufficient to determine the role of this variant in disease. Therefore, it has been classified as a Variant of Uncertain Significance.

NC_000013.10:g.(?_111340048)_(111358440_?)dup

Gene: CARS2 (cysteinyl-tRNA synthetase 2, mitochondrial; minus strand). Cytogenetic location: 13q34.
Variant type: Duplication.
Identifiers: ClinVar variation 1449656 (VCV001449656.4).